The following is an entry in ClinVar:

ClinVar aggregate classification (germline): Uncertain significance. Review status: criteria provided, multiple submitters, no conflicts (2 of 4 stars). 2 submissions from 2 submitters: Uncertain significance (2). Last evaluated 2025-03-17.

Conditions:
Emery-Dreifuss muscular dystrophy 5, autosomal dominant (EDMD5). Also called: EMERY-DREIFUSS MUSCULAR DYSTROPHY 5. Identifiers: Orphanet 261, MedGen C2751805, MONDO:0013072, OMIM 612999.

gnomAD v4.1: 3 of 1,613,972 alleles (0.00019%); highest among the groups gnomAD compares: East Asian, 0.0045%; no homozygotes.

Submissions (2):

Ambry Genetics
Classification: Uncertain significance. Last evaluated: 2025-03-17. Review status: criteria provided, single submitter. Criteria: Ambry Variant Classification Scheme 2023. Collection method: clinical testing. Allele origin: germline.

Labcorp Genetics (formerly Invitae), Labcorp
Classification: Uncertain significance for Emery-Dreifuss muscular dystrophy 5, autosomal dominant. Last evaluated: 2024-03-07. Review status: criteria provided, single submitter. Criteria: Invitae Variant Classification Sherloc (09022015). Collection method: clinical testing. Allele origin: germline.
Comment: This sequence change replaces isoleucine, which is neutral and non-polar, with threonine, which is neutral and polar, at codon 1930 of the SYNE2 protein (p.Ile1930Thr). This variant is present in population databases (no rsID available, gnomAD 0.02%). This variant has not been reported in the literature in individuals affected with SYNE2-related conditions. Algorithms developed to predict the effect of missense changes on protein structure and function output the following: SIFT: "Not Available"; PolyPhen-2: "Benign"; Align-GVGD: "Not Available". The threonine amino acid residue is found in multiple mammalian species, which suggests that this missense change does not adversely affect protein function. In summary, the available evidence is currently insufficient to determine the role of this variant in disease. Therefore, it has been classified as a Variant of Uncertain Significance.

NM_182914.3(SYNE2):c.5789T>C (p.Ile1930Thr)

Gene: SYNE2 (spectrin repeat containing nuclear envelope protein 2; plus strand). Cytogenetic location: 14q23.2.
Variant type: single nucleotide variant.
Coding change: c.5789T>C on transcript NM_182914.3 (MANE Select); coding-DNA position 5789, T replaced by C.
Protein change: p.Ile1930Thr; replaces isoleucine 1930 with threonine.
Molecular consequence: missense variant.
Genome position (GRCh38, 1-based): chr14:64,024,408, T>C. VCF-style: chr14-64024408-T-C. GRCh37 (hg19) VCF-style: chr14-64491126-T-C.
Other names: c.5789T>C (NM_182914.2); c.5789T>C, p.Ile1930Thr (NM_015180.6); short protein forms I1930T.
Identifiers: ClinVar variation 3706207 (VCV003706207.3).